The following is an entry in ClinVar:

ClinVar aggregate classification (germline): Likely benign. Review status: criteria provided, multiple submitters, no conflicts (2 of 4 stars). 7 submissions from 7 submitters: Likely benign (7). Last evaluated 2026-01-24.

Conditions:
Inborn genetic diseases. Identifiers: MedGen C0950123, MeSH D030342.
Intellectual disability, autosomal recessive 53 (NEDHSCA). Also called: NEURODEVELOPMENTAL DISORDER WITH OR WITHOUT HYPOTONIA, SEIZURES, AND CEREBELLAR ATROPHY; GLYCOSYLPHOSPHATIDYLINOSITOL BIOSYNTHESIS DEFECT 13; Mental retardation, autosomal recessive 53. Identifiers: Orphanet 488635, MedGen C4310794, MONDO:0014832, OMIM 616917.

Allele frequency attached by ClinVar (database versions not stated): ExAC 0.00061; 1000 Genomes Project 0.00120; 1000 Genomes Project 30x 0.00156; gnomAD 0.00207; TOPMed 0.00209; ESP Exome Variant Server 0.00231; gnomAD exomes 0.00045.
gnomAD v4.1: 507 of 1,614,226 alleles (0.031%); highest among the groups gnomAD compares: African/African-American, 0.62%; 1 homozygote.

Submissions (7):

Labcorp Genetics (formerly Invitae), Labcorp
Classification: Likely benign for Intellectual disability, autosomal recessive 53. Last evaluated: 2026-01-24. Review status: criteria provided, single submitter. Criteria: Invitae Variant Classification Sherloc (09022015). Collection method: clinical testing. Allele origin: germline.

Mayo Clinic Laboratories, Mayo Clinic
Classification: Likely benign. Last evaluated: 2025-06-23. Review status: criteria provided, single submitter. Criteria: ACMG Guidelines, 2015. Collection method: clinical testing. Allele origin: germline. Observed: 1 variant allele.
Comment: BS1, BP4_moderate

ARUP Laboratories, Molecular Genetics and Genomics, ARUP Laboratories
Classification: Likely benign. Last evaluated: 2025-03-13. Review status: criteria provided, single submitter. Criteria: ARUP Molecular Germline Variant Investigation Process 2024. Collection method: clinical testing. Allele origin: germline.

Ambry Genetics
Classification: Likely benign for Inborn genetic diseases. Last evaluated: 2024-12-12. Review status: criteria provided, single submitter. Criteria: Ambry Variant Classification Scheme 2023. Collection method: clinical testing. Allele origin: germline.

Blueprint Genetics
Classification: Likely benign. Last evaluated: 2023-09-12. Review status: criteria provided, single submitter. Criteria: ACMG Guidelines, 2015. Collection method: clinical testing. Allele origin: germline.

GeneDx
Classification: Likely benign. Last evaluated: 2021-06-02. Review status: criteria provided, single submitter. Criteria: GeneDx Variant Classification Process June 2021. Collection method: clinical testing. Allele origin: germline. Affected: yes.

Breakthrough Genomics
Classification: Likely benign. Review status: criteria provided, single submitter. Criteria: ACMG Guidelines, 2015. Collection method: not provided. Allele origin: germline. Inheritance: Autosomal recessive inheritance. Affected: yes.

NM_001127178.3(PIGG):c.1561G>A (p.Val521Met)

Gene: PIGG (phosphatidylinositol glycan anchor biosynthesis class G (EMM blood group); plus strand). Cytogenetic location: 4p16.3.
Variant type: single nucleotide variant.
Coding change: c.1561G>A on transcript NM_001127178.3 (MANE Select); coding-DNA position 1561, G replaced by A.
Protein change: p.Val521Met; replaces valine 521 with methionine.
Molecular consequence: missense variant. On other transcripts: 3 prime UTR variant (2), non-coding transcript variant (10).
Genome position (GRCh38, 1-based): chr4:521,888, G>A. VCF-style: chr4-521888-G-A. GRCh37 (hg19) VCF-style: chr4-515677-G-A.
Other names: p.Val521Met; c.1561G>A (NM_001127178.1); c.1294G>A, p.Val432Met (NM_001289051.2, NM_001289053.2, NM_001345986.2); c.1162G>A, p.Val388Met (NM_001289052.2); c.*123G>A (NM_001289055.2); c.*176G>A (NM_001289057.2); c.1270G>A, p.Val424Met (NM_001345987.2); c.532G>A, p.Val178Met (NM_001345988.2); and 4 more; short protein forms V178M, V155M, V388M, V521M, V10M, V432M, V424M, V513M.
Identifiers: ClinVar variation 772031 (VCV000772031.17), dbSNP rs138569779, ClinGen allele CA2793350.
Genomic context (GRCh38, chr4:521,888, plus strand): 5'-TGTGGCCTCTCGTGGCTGGCGGCAGGTGGGGTGATGGTGCTGGCCTCGGCGCTGCTGTGT[G>A]TGATTGTGTCTGTTCTGACCAACGTGCTCGTGGGTGGAAACACCCCAAGGAAGGTACGTA-3'
Protein context (NP_001120650.1, residues 511-531): VMVLASALLC[Val521Met]IVSVLTNVLV